The following is an entry in ClinVar:

NM_019066.5(MAGEL2):c.2922C>T (p.Ser974=)

Gene: MAGEL2 (MAGE family member L2; minus strand). Cytogenetic location: 15q11.2.
Variant type: single nucleotide variant.
Coding change: c.2922C>T on transcript NM_019066.5 (MANE Select); coding-DNA position 2922, C replaced by T.
Protein change: p.Ser974=; no amino-acid change (serine 974 retained).
Molecular consequence: synonymous variant.
Genome position (GRCh38, 1-based): chr15:23,644,821, G>A on the plus strand (C>T on the coding strand, the complement: MAGEL2 is on the minus strand). VCF-style: chr15-23644821-G-A. GRCh37 (hg19) VCF-style: chr15-23889968-G-A.
Identifiers: ClinVar variation 3234486 (VCV003234486.20), dbSNP rs748122624, ClinGen allele CA7429786.

ClinVar aggregate classification (germline): Likely benign (1 of 4 stars; one submission).

Allele frequency attached by ClinVar (database versions not stated): gnomAD exomes below 0.00001; TOPMed below 0.00001; gnomAD 0.00001; ExAC 0.00002.

Submission:

CeGaT Center for Human Genetics Tuebingen
Classification: Likely benign. Last evaluated: 2025-04-01. Review status: criteria provided, single submitter. Criteria: CeGaT Center For Human Genetics Tuebingen Variant Classification Criteria Version 2. Collection method: clinical testing. Allele origin: germline. Affected: yes. Observed: 2 variant alleles.
Comment: MAGEL2: BP4, BP7